The following is an entry in ClinVar:

ClinVar aggregate classification (germline): Uncertain significance (1 of 4 stars; one submission).

Allele frequency attached by ClinVar (database versions not stated): gnomAD 0.00002; gnomAD exomes 0.00005 and 0.00008; ExAC 0.00011; 1000 Genomes Project 0.00060; 1000 Genomes Project 30x 0.00078.
gnomAD v4.1: 76 of 1,613,172 alleles (0.0047%); highest among the groups gnomAD compares: South Asian, 0.08%; no homozygotes.

Submission:

Labcorp Genetics (formerly Invitae), Labcorp
Classification: Uncertain significance. Last evaluated: 2023-08-04. Review status: criteria provided, single submitter. Criteria: Invitae Variant Classification Sherloc (09022015). Collection method: clinical testing. Allele origin: germline.
Comment: In summary, the available evidence is currently insufficient to determine the role of this variant in disease. Therefore, it has been classified as a Variant of Uncertain Significance. An algorithm developed to predict the effect of missense changes on protein structure and function (PolyPhen-2) suggests that this variant is likely to be disruptive. ClinVar contains an entry for this variant (Variation ID: 1036010). This variant has not been reported in the literature in individuals affected with TUBGCP6-related conditions. This variant is present in population databases (rs530296185, gnomAD 0.06%). This sequence change replaces serine, which is neutral and polar, with proline, which is neutral and non-polar, at codon 1437 of the TUBGCP6 protein (p.Ser1437Pro).

NM_020461.4(TUBGCP6):c.4309T>C (p.Ser1437Pro)

Gene: TUBGCP6 (tubulin gamma complex component 6; minus strand). Cytogenetic location: 22q13.33.
Variant type: single nucleotide variant.
Coding change: c.4309T>C on transcript NM_020461.4 (MANE Select); coding-DNA position 4309, T replaced by C.
Protein change: p.Ser1437Pro; replaces serine 1437 with proline.
Molecular consequence: missense variant.
Genome position (GRCh38, 1-based): chr22:50,219,650, A>G on the plus strand (T>C on the coding strand, the complement: TUBGCP6 is on the minus strand). VCF-style: chr22-50219650-A-G. GRCh37 (hg19) VCF-style: chr22-50658079-A-G.
Other names: short protein forms S1437P.
Identifiers: ClinVar variation 1036010 (VCV001036010.7), dbSNP rs530296185, ClinGen allele CA10307590.